The following is an entry in ClinVar:

ClinVar aggregate classification (germline): Likely pathogenic. Review status: criteria provided, multiple submitters, no conflicts (2 of 4 stars). 2 submissions from 2 submitters: Likely pathogenic (2). Last evaluated 2026-05-19.

Conditions:
Hereditary cancer-predisposing syndrome. Also called: Neoplastic Syndromes, Hereditary; Tumor predisposition; Hereditary Cancer Syndrome; Hereditary neoplastic syndrome. Identifiers: Orphanet 140162, MedGen C0027672, MeSH D009386, MONDO:0015356.

Submissions (2):

Ambry Genetics
Classification: Likely pathogenic for Hereditary cancer-predisposing syndrome. Last evaluated: 2026-05-19. Review status: criteria provided, single submitter. Criteria: Ambry Variant Classification Scheme 2023. Collection method: clinical testing. Allele origin: germline.
Comment: The p.Q142K variant (also known as c.424C>A), located in coding exon 4 of the FH gene, results from a C to A substitution at nucleotide position 424. The glutamine at codon 142 is replaced by lysine, an amino acid with similar properties. This variant was reported in individual(s) with features consistent with FH-related tumor predisposition (Badeloe S et al. Exp Dermatol, 2006 Sep;15:735-41). Other variant(s) at the same codon, p.Q142R (c.425A>G), have been identified in individual(s) with features consistent with FH-related tumor predisposition (Ambry internal data; Tomlinson IP et al. Nat Genet 2002 Apr;30(4):406-10; Alam NA et al. J Mol Diagn, 2005 Oct;7:437-43; Alam NA et al. Hum. Mol. Genet., 2003 Jun;12:1241-52; Wong MH et al. Fam. Cancer, 2014 Jun;13:281-9). This amino acid position is highly conserved in available vertebrate species. In addition, this alteration is predicted to be deleterious by in silico analysis. This variant is considered to be rare based on population cohorts in the Genome Aggregation Database (gnomAD). Based on the majority of available evidence to date, this variant is likely to be pathogenic.

GeneDx
Classification: Likely pathogenic. Last evaluated: 2023-06-21. Review status: criteria provided, single submitter. Criteria: GeneDx Variant Classification Process June 2021. Collection method: clinical testing. Allele origin: germline. Affected: yes.
Comment: Not observed at significant frequency in large population cohorts (gnomAD); In silico analysis supports that this missense variant has a deleterious effect on protein structure/function; In silico analysis is inconclusive as to whether the variant alters gene splicing. In the absence of RNA/functional studies, the actual effect of this sequence change is unknown.; This variant is associated with the following publications: (PMID: 21445611, 16881969)

Literature cited by the submitters: PubMed 16881969 (cited by Ambry Genetics).

NM_000143.4(FH):c.424C>A (p.Gln142Lys)

Gene: FH (fumarate hydratase; minus strand). Cytogenetic location: 1q43.
Variant type: single nucleotide variant.
Coding change: c.424C>A on transcript NM_000143.4 (MANE Select); coding-DNA position 424, C replaced by A.
Protein change: p.Gln142Lys; replaces glutamine 142 with lysine.
Molecular consequence: missense variant.
Genome position (GRCh38, 1-based): chr1:241,512,098, G>T on the plus strand (C>A on the coding strand, the complement: FH is on the minus strand). VCF-style: chr1-241512098-G-T. GRCh37 (hg19) VCF-style: chr1-241675398-G-T.
Other names: short protein forms Q142K.
Identifiers: ClinVar variation 3252225 (VCV003252225.2), dbSNP rs1355199594.